The following is an entry in ClinVar:

NM_006540.4(NCOA2):c.1653G>A (p.Ser551=)

Gene: NCOA2 (nuclear receptor coactivator 2; minus strand). Cytogenetic location: 8q13.3.
Variant type: single nucleotide variant.
Coding change: c.1653G>A on transcript NM_006540.4 (MANE Select); coding-DNA position 1653, G replaced by A.
Protein change: p.Ser551=; no amino-acid change (serine 551 retained).
Molecular consequence: synonymous variant.
Genome position (GRCh38, 1-based): chr8:70,156,712, C>T on the plus strand (G>A on the coding strand, the complement: NCOA2 is on the minus strand). VCF-style: chr8-70156712-C-T. GRCh37 (hg19) VCF-style: chr8-71068947-C-T.
Other names: c.1653G>A, p.Ser551= (NM_001321703.2, NM_001321707.2, NM_001321711.2 and 1 more transcripts); c.1191G>A, p.Ser397= (NM_001321713.2).
Identifiers: ClinVar variation 781659 (VCV000781659.28), dbSNP rs61753706, ClinGen allele CA4777960.
Genomic context (GRCh38, chr8:70,156,712, plus strand): 5'-AGGATTCATATTAACTGGGGAGTTTTGCAAATTGCCCATTTTTAGGTCTGGTGAAGCCAA[C>T]GATGACCCTAATGAGACCCCGTGCCCCTCGCTGAGGGCCTGAAGTGCATTGAGGGAGCTG-3'
Protein context (NP_006531.1, residues 541-561): SEGHGVSLGS[Ser551=]LASPDLKMGN

ClinVar aggregate classification (germline): Benign/Likely benign. Review status: criteria provided, multiple submitters, no conflicts (2 of 4 stars). 3 submissions from 3 submitters: Benign (2); Likely benign (1). Last evaluated 2022-06-01.

Allele frequency attached by ClinVar (database versions not stated): 1000 Genomes Project 0.00080; 1000 Genomes Project 30x 0.00094; ExAC 0.00335; gnomAD exomes 0.00352 and 0.00633; TOPMed 0.00354; gnomAD 0.00357 and 0.00372; ESP Exome Variant Server 0.00548.
gnomAD v4.1: 9,636 of 1,613,916 alleles (0.6%); highest among the groups gnomAD compares: Non-Finnish European, 0.77%; 40 homozygotes.

Submissions (3):

CeGaT Center for Human Genetics Tuebingen
Classification: Likely benign. Last evaluated: 2022-06-01. Review status: criteria provided, single submitter. Criteria: CeGaT Center For Human Genetics Tuebingen Variant Classification Criteria Version 2. Collection method: clinical testing. Allele origin: germline. Affected: yes. Observed: 1 variant allele.
Comment: NCOA2: BP4, BP7

Labcorp Genetics (formerly Invitae), Labcorp
Classification: Benign. Last evaluated: 2018-07-11. Review status: criteria provided, single submitter. Criteria: Invitae Variant Classification Sherloc (09022015). Collection method: clinical testing. Allele origin: germline.

Breakthrough Genomics
Classification: Benign. Review status: criteria provided, single submitter. Criteria: ACMG Guidelines, 2015. Collection method: not provided. Allele origin: germline. Inheritance: Unknown mechanism. Affected: yes.